The following is an entry in ClinVar:

ClinVar aggregate classification (germline): Uncertain significance (1 of 4 stars; one submission).

Conditions:
Congenital myasthenic syndrome 8. Also called: MYASTHENIC SYNDROME, CONGENITAL, DUE TO AGRIN DEFICIENCY; Myasthenic syndrome, congenital, 8, with pre- and postsynaptic defects. Identifiers: Orphanet 590, MedGen C3808739, MONDO:0014052, OMIM 615120.

Allele frequency attached by ClinVar (database versions not stated): TOPMed 0.00001.
gnomAD v4.1: 1 of 1,590,594 alleles (0.000063%); highest among the groups gnomAD compares: East Asian, 0.0023%; no homozygotes.

Submission:

Labcorp Genetics (formerly Invitae), Labcorp
Classification: Uncertain significance for Congenital myasthenic syndrome 8. Last evaluated: 2022-02-06. Review status: criteria provided, single submitter. Criteria: Invitae Variant Classification Sherloc (09022015). Collection method: clinical testing. Allele origin: germline.
Comment: This variant has not been reported in the literature in individuals affected with AGRN-related conditions. In summary, the available evidence is currently insufficient to determine the role of this variant in disease. Therefore, it has been classified as a Variant of Uncertain Significance. Algorithms developed to predict the effect of missense changes on protein structure and function output the following: SIFT: "Tolerated"; PolyPhen-2: "Benign"; Align-GVGD: "Class C0". The arginine amino acid residue is found in multiple mammalian species, which suggests that this missense change does not adversely affect protein function. This variant is not present in population databases (gnomAD no frequency). This sequence change replaces glycine, which is neutral and non-polar, with arginine, which is basic and polar, at codon 1513 of the AGRN protein (p.Gly1513Arg).

NM_198576.4(AGRN):c.4537G>C (p.Gly1513Arg)

Gene: AGRN (agrin; plus strand). Cytogenetic location: 1p36.33.
Variant type: single nucleotide variant.
Coding change: c.4537G>C on transcript NM_198576.4 (MANE Select); coding-DNA position 4537, G replaced by C.
Protein change: p.Gly1513Arg; replaces glycine 1513 with arginine.
Molecular consequence: missense variant.
Genome position (GRCh38, 1-based): chr1:1,049,588, G>C. VCF-style: chr1-1049588-G-C. GRCh37 (hg19) VCF-style: chr1-984968-G-C.
Other names: c.4537G>C, p.Gly1513Arg (NM_001305275.2); c.4222G>C, p.Gly1408Arg (NM_001364727.2); short protein forms G1513R, G1408R.
Identifiers: ClinVar variation 2077816 (VCV002077816.4), dbSNP rs967941440, ClinGen allele CA16700640.